The following is an entry in ClinVar:

NM_020751.3(COG6):c.906_907delinsA (p.His302fs)

Gene: COG6 (component of oligomeric golgi complex 6; plus strand). Cytogenetic location: 13q14.11.
Variant type: Indel.
Coding change: c.906_907delinsA on transcript NM_020751.3 (MANE Select); coding-DNA positions 906 to 907, TG replaced by A.
Protein change: p.His302fs; shifts the reading frame from histidine 302.
Molecular consequence: frameshift variant. On other transcripts: non-coding transcript variant (1).
Genome position (GRCh38, 1-based): chr13:39,687,620-39,687,621, TG replaced by A. VCF-style: chr13-39687620-TG-A. GRCh37 (hg19) VCF-style: chr13-40261757-TG-A.
Other names: c.906_907delinsA, p.His302fs (NM_001145079.2); short protein forms H302fs.
Identifiers: ClinVar variation 3344756 (VCV003344756.1).

ClinVar aggregate classification (germline): Likely pathogenic (0 of 4 stars; one submission).

Conditions:
COG6-related disorder.

Submission:

PreventionGenetics, part of Exact Sciences
Classification: Likely pathogenic for COG6-related condition. Last evaluated: 2024-05-29. Review status: no assertion criteria provided. Collection method: clinical testing. Allele origin: germline.
Comment: The COG6 c.906_907delinsA variant is predicted to result in a frameshift and premature protein termination (p.His302Glnfs*4). To our knowledge, this variant has not been reported in the literature or in a large population database, indicating this variant is rare. Frameshift variants in COG6 are expected to be pathogenic. This variant is interpreted as likely pathogenic.